The following is an entry in ClinVar:

ClinVar aggregate classification (germline): Likely benign (0 of 4 stars; one submission).

Conditions:
IFT172-related disorder. Also called: IFT172-related disorders; IFT172-related condition.

gnomAD v4.1: 28 of 1,610,200 alleles (0.0017%); highest among the groups gnomAD compares: South Asian, 0.015%; no homozygotes.

Submission:

PreventionGenetics, part of Exact Sciences
Classification: Likely benign for IFT172-related condition. Last evaluated: 2019-11-13. Review status: no assertion criteria provided. Collection method: clinical testing. Allele origin: germline.
Comment: This variant is classified as likely benign based on ACMG/AMP sequence variant interpretation guidelines (Richards et al. 2015 PMID: 25741868, with internal and published modifications).

NM_015662.3(IFT172):c.-7G>A

Gene: IFT172 (intraflagellar transport 172; minus strand). Cytogenetic location: 2p23.3.
Variant type: single nucleotide variant.
Coding change: c.-7G>A on transcript NM_015662.3 (MANE Select); 7 bases upstream of the start codon, G replaced by A.
Molecular consequence: 5 prime UTR variant.
Genome position (GRCh38, 1-based): chr2:27,489,660, C>T on the plus strand (G>A on the coding strand, the complement: IFT172 is on the minus strand). VCF-style: chr2-27489660-C-T. GRCh37 (hg19) VCF-style: chr2-27712527-C-T.
Other names: c.-7G>A (NM_001410739.1).
Identifiers: ClinVar variation 3353560 (VCV003353560.1).